The following is an entry in ClinVar:

NM_130384.3(ATRIP):c.2263G>A (p.Val755Ile)

Genes: ATRIP (ATR interacting protein; plus strand), ATRIP-TREX1 (ATRIP-TREX1 readthrough; plus strand). Cytogenetic location: 3p21.31.
Variant type: single nucleotide variant.
Coding change: c.2263G>A on transcript NM_130384.3 (MANE Select); coding-DNA position 2263, G replaced by A.
Protein change: p.Val755Ile; replaces valine 755 with isoleucine.
Molecular consequence: missense variant. On other transcripts: non-coding transcript variant (1).
Genome position (GRCh38, 1-based): chr3:48,465,038, G>A. VCF-style: chr3-48465038-G-A. GRCh37 (hg19) VCF-style: chr3-48506437-G-A.
Other names: c.1882G>A, p.Val628Ile (NM_001271022.2); c.1984G>A, p.Val662Ile (NM_001271023.2); c.2182G>A, p.Val728Ile (NM_032166.4); short protein forms V628I, V755I, V662I, V728I.
Identifiers: ClinVar variation 3465357 (VCV003465357.2).

ClinVar aggregate classification (germline): Uncertain significance (1 of 4 stars; one submission).

gnomAD v4.1: 4 of 1,613,634 alleles (0.00025%); highest among the groups gnomAD compares: South Asian, 0.0011%; no homozygotes.

Submission:

Ambry Genetics
Classification: Uncertain significance. Last evaluated: 2025-10-03. Review status: criteria provided, single submitter. Criteria: Ambry Variant Classification Scheme 2023. Collection method: clinical testing. Allele origin: germline.
Comment: The p.V755I variant (also known as c.2263G>A), located in coding exon 12 of the ATRIP gene, results from a G to A substitution at nucleotide position 2263. The valine at codon 755 is replaced by isoleucine, an amino acid with highly similar properties. This amino acid position is conserved. In addition, this alteration is predicted to be tolerated by in silico analysis. Based on the available evidence, the clinical significance of this variant remains unclear.